The following is an entry in ClinVar:

ClinVar aggregate classification (germline): Uncertain significance (1 of 4 stars; one submission).

gnomAD v4.1: 25 of 1,603,608 alleles (0.0016%); highest among the groups gnomAD compares: East Asian, 0.0022%; no homozygotes.

Submission:

GeneDx
Classification: Uncertain significance. Last evaluated: 2026-03-13. Review status: criteria provided, single submitter. Criteria: GeneDx Variant Classification Process June 2021. Collection method: clinical testing. Allele origin: germline.
Comment: Not observed at significant frequency in large population cohorts (gnomAD); In silico analysis suggests that this missense variant does not alter protein structure/function; Has not been previously published as pathogenic or benign to our knowledge; Reported using an alternate transcript of the gene

NM_006736.6(DNAJB2):c.889G>C (p.Gly297Arg)

Gene: DNAJB2 (DnaJ heat shock protein family (Hsp40) member B2; plus strand). Cytogenetic location: 2q35.
Variant type: single nucleotide variant.
Coding change: c.889G>C on transcript NM_006736.6 (MANE Select); coding-DNA position 889, G replaced by C.
Protein change: p.Gly297Arg; replaces glycine 297 with arginine.
Molecular consequence: missense variant. On other transcripts: intron variant (1).
Genome position (GRCh38, 1-based): chr2:219,284,901, G>C. VCF-style: chr2-219284901-G-C. GRCh37 (hg19) VCF-style: chr2-220149623-G-C.
Other names: c.823+66G>C (NM_001039550.2); short protein forms G297R.
Identifiers: ClinVar variation 4891488 (VCV004891488.1).
Genomic context (GRCh38, chr2:219,284,901, plus strand): 5'-CGGGAGGCACAGCACCGACGGCAGGGGCGGCCCAAGGCCCAGCACCAAGATCCAGGCTTG[G>C]GGGGGACCCAGGAGGGTGCGAGGGGTGAAGCAACCAAACGCAGTCCATCCCCAGAGGAGA-3'
Protein context (NP_006727.2, residues 287-307): PKAQHQDPGL[Gly297Arg]GTQEGARGEA